The following is an entry in ClinVar:

NM_014795.4(ZEB2):c.2729T>C (p.Met910Thr)

Gene: ZEB2 (zinc finger E-box binding homeobox 2; minus strand). Cytogenetic location: 2q22.3.
Variant type: single nucleotide variant.
Coding change: c.2729T>C on transcript NM_014795.4 (MANE Select); coding-DNA position 2729, T replaced by C.
Protein change: p.Met910Thr; replaces methionine 910 with threonine.
Molecular consequence: missense variant.
Genome position (GRCh38, 1-based): chr2:144,398,458, A>G on the plus strand (T>C on the coding strand, the complement: ZEB2 is on the minus strand). VCF-style: chr2-144398458-A-G. GRCh37 (hg19) VCF-style: chr2-145156025-A-G.
Other names: p.M910T:ATG>ACG; c.2657T>C, p.Met886Thr (NM_001171653.2); short protein forms M910T, M886T.
Identifiers: ClinVar variation 181743 (VCV000181743.2), dbSNP rs730881201, ClinGen allele CA297615.

ClinVar aggregate classification (germline): Uncertain significance (1 of 4 stars; one submission).

Submission:

GeneDx
Classification: Uncertain significance. Last evaluated: 2013-12-02. Review status: criteria provided, single submitter. Criteria: GeneDx Variant Classification (06012015). Collection method: clinical testing. Allele origin: germline. Affected: yes.
Comment: This variant is denoted p.Met910Thr at the protein level, c.2729 T>C at the cDNA level, and results in the change of a Methionine for a Threonine (ATG>ACG) in exon 8 of the ZEB2 gene (NM_014795.3). The Met910Thr variant has not been published as a mutation, nor has it been reported as a benign polymorphism to our knowledge. The Met910Thr variant was not observed in approximately 6500 individuals of European and African American ancestry in the NHLBI Exome Sequencing Project, indicating it is not a common benign variant in these populations. It is a non-conservative amino acid substitution, which is likely to impact secondary protein structure as these residues differ in polarity, charge, size and/or other properties. This substitution occurs at a position that is conserved across specie and in silico analysis predicts this variant is probably damaging to the protein structure/function. However, other missense mutations at nearby codons have not been reported to our knowledge and in general, missense mutations in the ZEB2 gene are rare and have been identified in less than 2% of patients with Mowat-Wilson syndrome. Therefore, based on the currently available information, it is unclear whether Met910Thr is a pathogenic mutation or a rare benign variant. The variant is found in EPILEPSY panel(s).